The following is an entry in ClinVar:

ClinVar aggregate classification (germline): Conflicting classifications of pathogenicity. Review status: criteria provided, conflicting classifications (1 of 4 stars). 13 submissions from 13 submitters: Uncertain significance (8); Likely benign (4). 1 of the submissions does not count toward it. Last evaluated 2026-02-16.

Conditions:
Inherited breast cancer and ovarian cancer.
BRCA2-related cancer predisposition. Identifiers: MedGen CN377758, MONDO:0700269.
BRCA2-related disorder. Also called: BRCA2-related condition; BRCA2-related disorders. Identifiers: MedGen CN239275.
Hereditary cancer-predisposing syndrome. Also called: Hereditary neoplastic syndrome; Hereditary Cancer Syndrome; Tumor predisposition; Neoplastic Syndromes, Hereditary. Identifiers: Orphanet 140162, MedGen C0027672, MeSH D009386, MONDO:0015356.
Glioma susceptibility 3 (GLM3). Also called: Glioblastoma 3. Identifiers: Orphanet 182067, Orphanet 360, MedGen C2751641, MONDO:0013093, OMIM 613029.
Prostate cancer. Also called: Malignant tumor of prostate. Identifiers: Orphanet 1331, MedGen C0376358, MONDO:0008315, HP:0012125.
Breast-ovarian cancer, familial, susceptibility to, 2 (BROVCA2). Also called: BRCA2 Hereditary Breast and Ovarian Cancer. Identifiers: Orphanet 145, MedGen C2675520, MONDO:0012933, OMIM 612555. Disease mechanism: loss of function.
Wilms tumor 1 (WT1). Also called: Wilms tumor, somatic. Identifiers: Orphanet 654, MedGen CN033288, MONDO:0008679, OMIM 194070.
Medulloblastoma (MDB). Also called: MEDULLOBLASTOMA PREDISPOSITION SYNDROME; Medulloblastoma, somatic. Identifiers: Orphanet 616, MedGen C0025149, MeSH D008527, MONDO:0007959, OMIM 155255, HP:0002885.
Fanconi anemia complementation group D1. Also called: BRCA2-Related Fanconi Anemia. Identifiers: Orphanet 319462, MedGen C1838457, MONDO:0011584, OMIM 605724.
Familial cancer of breast. Also called: Hereditary breast cancer; hereditary breast carcinoma; BREAST CANCER, FAMILIAL. Identifiers: Orphanet 227535, MedGen C0346153, MONDO:0016419, OMIM 114480. Disease mechanism: loss of function.
Pancreatic cancer, susceptibility to, 2. Identifiers: Orphanet 1333, MedGen C3150546, MONDO:0013235, OMIM 613347.
Hereditary breast ovarian cancer syndrome. Also called: Breast and ovarian cancer; Hereditary breast and/or ovarian cancer syndrome; Hereditary breast and ovarian cancer; Hereditary breast and ovarian cancer syndrome; BRCA1- and BRCA2-Associated Hereditary Breast and Ovarian Cancer; Hereditary breast and ovarian cancer syndrome (HBOC). Identifiers: Orphanet 145, MedGen C0677776, MeSH D061325, MONDO:0003582. Disease mechanism: loss of function.

Allele frequency attached by ClinVar (database versions not stated): ExAC 0.00001; TOPMed 0.00003; gnomAD exomes 0.00001 and 0.00003; gnomAD 0.00003.
gnomAD v4.1: 51 of 1,595,314 alleles (0.0032%); highest among the groups gnomAD compares: Non-Finnish European, 0.0041%; no homozygotes.

Submissions 1 to 10 of 13:

Cambridge Genomics Laboratory, East Genomic Laboratory Hub, NHS Genomic Medicine Service
Classification: Likely benign for Inherited breast cancer and ovarian cancer. Last evaluated: 2026-02-16. Review status: criteria provided, single submitter. Criteria: ACGS Best Practice Guidelines for Variant Classification in Rare Disease 2020. Collection method: clinical testing. Allele origin: germline. Affected: yes.
Comment: BP1_Strong,BP4

Labcorp Genetics (formerly Invitae), Labcorp
Classification: Uncertain significance for Hereditary breast ovarian cancer syndrome. Last evaluated: 2026-01-20. Review status: criteria provided, single submitter. Criteria: Invitae Variant Classification Sherloc (09022015). Collection method: clinical testing. Allele origin: germline.
Comment: This sequence change replaces lysine, which is basic and polar, with glutamic acid, which is acidic and polar, at codon 1453 of the BRCA2 protein (p.Lys1453Glu). This variant is present in population databases (rs397507330, gnomAD 0.002%). This variant has not been reported in the literature in individuals affected with BRCA2-related conditions. ClinVar contains an entry for this variant (Variation ID: 37897). Invitae Evidence Modeling of protein sequence and biophysical properties (such as structural, functional, and spatial information, amino acid conservation, physicochemical variation, residue mobility, and thermodynamic stability) indicates that this missense variant is not expected to disrupt BRCA2 protein function with a negative predictive value of 95%. In summary, the available evidence is currently insufficient to determine the role of this variant in disease. Therefore, it has been classified as a Variant of Uncertain Significance.

GeneDx
Classification: Uncertain significance. Last evaluated: 2025-08-04. Review status: criteria provided, single submitter. Criteria: GeneDx Variant Classification Process June 2021. Collection method: clinical testing. Allele origin: germline. Affected: yes.
Comment: Not observed at significant frequency in large population cohorts (gnomAD); In silico analysis suggests that this missense variant does not alter protein structure/function; Has not been previously published as pathogenic or benign to our knowledge; Also known as 4585A>G; This variant is associated with the following publications: (PMID: 31131967)

Ambry Genetics
Classification: Uncertain significance for Hereditary cancer-predisposing syndrome. Last evaluated: 2025-03-27. Review status: criteria provided, single submitter. Criteria: Ambry Variant Classification Scheme 2023. Collection method: clinical testing. Allele origin: germline.
Comment: The p.K1453E variant (also known as c.4357A>G), located in coding exon 10 of the BRCA2 gene, results from an A to G substitution at nucleotide position 4357. The lysine at codon 1453 is replaced by glutamic acid, an amino acid with similar properties. This amino acid position is not well conserved in available vertebrate species, and glutamic acid is the reference amino acid in other vertebrate species. In addition, this alteration is predicted to be tolerated by in silico analysis. Since supporting evidence is limited at this time, the clinical significance of this alteration remains unclear.

Quest Diagnostics Nichols Institute San Juan Capistrano
Classification: Uncertain significance. Last evaluated: 2024-12-12. Review status: criteria provided, single submitter. Criteria: Quest Diagnostics criteria. Collection method: clinical testing. Allele origin: unknown.
Comment: The BRCA2 c.4357A>G (p.Lys1453Glu) variant has been reported to be located in a region of the BRCA2 gene that is tolerant to missense sequence changes (PMID: 31911673 (2020)). The variant has also been identified in an individual with breast cancer as well as in a reportedly healthy individual (PMID: 33471991 (2021), see also LOVD). The frequency of this variant in the general population (Genome Aggregation Database) is uninformative in the assessment of its pathogenicity. Analysis of this variant using bioinformatics tools for the prediction of the effect of amino acid changes on protein structure and function yielded predictions that this variant is benign. Based on the available information, we are unable to determine the clinical significance of this variant.

Molecular Pathology, Peter Maccallum Cancer Centre
Classification: Likely benign for Breast-ovarian cancer, familial, susceptibility to, 2. Last evaluated: 2024-08-22. Review status: criteria provided, single submitter. Criteria: ACMG Guidelines, 2015. Collection method: clinical testing. Allele origin: germline. Inheritance: Autosomal dominant inheritance.

Blueprint Genetics
Classification: Likely benign. Last evaluated: 2024-04-19. Review status: criteria provided, single submitter. Criteria: ACMG Guidelines, 2015. Collection method: clinical testing. Allele origin: germline.

All of Us Research Program, National Institutes of Health
Classification: Uncertain significance for BRCA2-related cancer predisposition. Last evaluated: 2024-03-24. Review status: criteria provided, single submitter. Criteria: ACMG Guidelines, 2015. Collection method: clinical testing. Allele origin: germline. Inheritance: Autosomal dominant inheritance. Observed: 5 variant alleles, 5 heterozygotes.
Comment: This missense variant replaces lysine with glutamic acid at codon 1453 of the BRCA2 protein. Computational prediction suggests that this variant may not impact protein structure and function (internally defined REVEL score threshold <= 0.5, PMID: 27666373). To our knowledge, functional studies have not been reported for this variant. This variant has been reported in a breast cancer case-control meta-analysis in 1/60465 cases and 3/53458 unaffected individuals (PMID: 33471991; Leiden Open Variation Database DB-ID BRCA2_008197). This variant has been identified in 3/242606 chromosomes in the general population by the Genome Aggregation Database (gnomAD). The available evidence is insufficient to determine the role of this variant in disease conclusively. Therefore, this variant is classified as a Variant of Uncertain Significance.

This study involves interpretation of variants in research participants for the purpose of population health screening. Participant phenotype was not available at the time of variant classification. Additional details can be found in publication PMID: 35346344, PMCID: PMC8962531

Color Diagnostics, LLC DBA Color Health
Classification: Uncertain significance for Hereditary cancer-predisposing syndrome. Last evaluated: 2024-02-29. Review status: criteria provided, single submitter. Criteria: ACMG Guidelines, 2015. Collection method: clinical testing. Allele origin: germline.
Comment: This missense variant replaces lysine with glutamic acid at codon 1453 of the BRCA2 protein. Computational prediction suggests that this variant may not impact protein structure and function. To our knowledge, functional studies have not been reported for this variant. This variant has been reported in a breast cancer case-control meta-analysis in 1/60465 cases and 3/53458 unaffected individuals (PMID: 33471991; Leiden Open Variation Database DB-ID BRCA2_008197). This variant has been identified in 3/242606 chromosomes in the general population by the Genome Aggregation Database (gnomAD). The available evidence is insufficient to determine the role of this variant in disease conclusively. Therefore, this variant is classified as a Variant of Uncertain Significance.

University of Washington Department of Laboratory Medicine, University of Washington
Classification: Likely benign for Hereditary cancer-predisposing syndrome. Last evaluated: 2023-03-23. Review status: criteria provided, single submitter. Criteria: Dines et al. (Genet Med. 2020). Collection method: curation. Allele origin: germline.
Comment: Missense variant in a coldspot region where missense variants are very unlikely to be pathogenic (PMID:31911673).

BRCA2 exon 11 coldspot. Reclassification based on statistical prior probability.

NM_000059.4(BRCA2):c.4357A>G (p.Lys1453Glu)

Gene: BRCA2 (BRCA2 DNA repair associated; plus strand). Cytogenetic location: 13q13.1.
Variant type: single nucleotide variant.
Coding change: c.4357A>G on transcript NM_000059.4 (MANE Select); coding-DNA position 4357, A replaced by G.
Protein change: p.Lys1453Glu; replaces lysine 1453 with glutamic acid.
Molecular consequence: missense variant.
Genome position (GRCh38, 1-based): chr13:32,338,712, A>G. VCF-style: chr13-32338712-A-G. GRCh37 (hg19) VCF-style: chr13-32912849-A-G.
Other names: short protein forms K1453E.
Identifiers: ClinVar variation 37897 (VCV000037897.37), dbSNP rs397507330, ClinGen allele CA020036.